The following is an entry in ClinVar:

NM_002025.4(AFF2):c.586T>C (p.Phe196Leu)

Gene: AFF2 (ALF transcription elongation factor 2; plus strand). Cytogenetic location: Xq28.
Variant type: single nucleotide variant.
Coding change: c.586T>C on transcript NM_002025.4 (MANE Select); coding-DNA position 586, T replaced by C.
Protein change: p.Phe196Leu; replaces phenylalanine 196 with leucine.
Molecular consequence: missense variant.
Genome position (GRCh38, 1-based): chrX:148,662,313, T>C. VCF-style: chrX-148662313-T-C. GRCh37 (hg19) VCF-style: chrX-147743834-T-C.
Other names: c.574T>C, p.Phe192Leu (NM_001169122.2, NM_001169123.2, NM_001169125.2); c.586T>C, p.Phe196Leu (NM_001169124.2); short protein forms F192L, F196L.
Identifiers: ClinVar variation 4721067 (VCV004721067.1).
Genomic context (GRCh38, chrX:148,662,313, plus strand): 5'-GGTCAGCCAAACAAGATGCAGACTTTGACACAGGACCAGTCTCAAGCCAAACTGGAAGAC[T>C]TCTTTGTCTACCCAGCTGAACAGCCCCAGATTGGAGAAGTTGAAGAGTCAAACCCATCTG-3'
Protein context (NP_002016.2, residues 186-206): QDQSQAKLED[Phe196Leu]FVYPAEQPQI

ClinVar aggregate classification (germline): Uncertain significance (1 of 4 stars; one submission).

Submission:

Labcorp Genetics (formerly Invitae), Labcorp
Classification: Uncertain significance. Last evaluated: 2025-06-09. Review status: criteria provided, single submitter. Criteria: Invitae Variant Classification Sherloc (09022015). Collection method: clinical testing. Allele origin: germline.
Comment: This sequence change replaces phenylalanine, which is neutral and non-polar, with leucine, which is neutral and non-polar, at codon 196 of the AFF2 protein (p.Phe196Leu). This variant is not present in population databases (gnomAD no frequency). This variant has not been reported in the literature in individuals affected with AFF2-related conditions. An algorithm developed to predict the effect of missense changes on protein structure and function outputs the following: PolyPhen-2: "Benign". The leucine amino acid residue is found in multiple mammalian species, which suggests that this missense change does not adversely affect protein function. In summary, the available evidence is currently insufficient to determine the role of this variant in disease. Therefore, it has been classified as a Variant of Uncertain Significance.